The following is an entry in ClinVar:

ClinVar aggregate classification (germline): Uncertain significance (1 of 4 stars; one submission).

Conditions:
Familial cancer of breast. Also called: hereditary breast carcinoma; BREAST CANCER, FAMILIAL; Hereditary breast cancer. Identifiers: Orphanet 227535, MedGen C0346153, MONDO:0016419, OMIM 114480. Disease mechanism: loss of function.

Submission:

Labcorp Genetics (formerly Invitae), Labcorp
Classification: Uncertain significance for Familial cancer of breast. Last evaluated: 2025-06-27. Review status: criteria provided, single submitter. Criteria: Invitae Variant Classification Sherloc (09022015). Collection method: clinical testing. Allele origin: germline.
Comment: This sequence change replaces alanine, which is neutral and non-polar, with glycine, which is neutral and non-polar, at codon 589 of the BARD1 protein (p.Ala589Gly). This variant is not present in population databases (gnomAD no frequency). This variant has not been reported in the literature in individuals affected with BARD1-related conditions. An algorithm developed to predict the effect of missense changes on protein structure and function (PolyPhen-2) suggests that this variant is likely to be tolerated. In summary, the available evidence is currently insufficient to determine the role of this variant in disease. Therefore, it has been classified as a Variant of Uncertain Significance.

NM_000465.4(BARD1):c.1766C>G (p.Ala589Gly)

Gene: BARD1 (BRCA1 associated RING domain 1; minus strand). Cytogenetic location: 2q35.
Variant type: single nucleotide variant.
Coding change: c.1766C>G on transcript NM_000465.4 (MANE Select); coding-DNA position 1766, C replaced by G.
Protein change: p.Ala589Gly; replaces alanine 589 with glycine.
Molecular consequence: missense variant. On other transcripts: non-coding transcript variant (3), intron variant (1).
Genome position (GRCh38, 1-based): chr2:214,745,766, G>C on the plus strand (C>G on the coding strand, the complement: BARD1 is on the minus strand). VCF-style: chr2-214745766-G-C. GRCh37 (hg19) VCF-style: chr2-215610490-G-C.
Other names: c.1709C>G, p.Ala570Gly (NM_001282543.2); c.413C>G, p.Ala138Gly (NM_001282545.2); c.356C>G, p.Ala119Gly (NM_001282548.2); c.365-15258C>G (NM_001282549.2); short protein forms A570G, A138G, A119G, A589G.
Identifiers: ClinVar variation 4716854 (VCV004716854.1).
Genomic context (GRCh38, chr2:214,745,766, plus strand): 5'-AATTCAAAATCCTCACCTGTACTGTCAAACTCAGTATATTTTTTAGCCTTAAGAATTACT[G>C]CAAGCTCACTGAGCATTTTCTGTTGTTCTGAAGACAGCCCACTGCCTATAAGTACAAGAG-3'
Protein context (NP_000456.2, residues 579-599): SEQQKMLSEL[Ala589Gly]VILKAKKYTE